The following is an entry in ClinVar:

ClinVar aggregate classification (germline): Uncertain significance. Review status: criteria provided, multiple submitters, no conflicts (2 of 4 stars). 2 submissions from 2 submitters: Uncertain significance (2). Last evaluated 2024-11-16.

Conditions:
Agammaglobulinemia 2, autosomal recessive (AGM2). Also called: AGAMMAGLOBULINEMIA, AUTOSOMAL RECESSIVE, DUE TO IGLL1 DEFECT. Identifiers: MedGen C3150750, MONDO:0013287, OMIM 613500.

Allele frequency attached by ClinVar (database versions not stated): TOPMed 0.00002.
gnomAD v4.1: 16 of 1,613,278 alleles (0.00099%); highest among the groups gnomAD compares: Middle Eastern, 0.016%; no homozygotes.

Submissions (2):

Labcorp Genetics (formerly Invitae), Labcorp
Classification: Uncertain significance for Agammaglobulinemia 2, autosomal recessive. Last evaluated: 2024-11-16. Review status: criteria provided, single submitter. Criteria: Invitae Variant Classification Sherloc (09022015). Collection method: clinical testing. Allele origin: germline.
Comment: This sequence change replaces alanine, which is neutral and non-polar, with serine, which is neutral and polar, at codon 174 of the IGLL1 protein (p.Ala174Ser). This variant is present in population databases (rs199718215, gnomAD 0.01%). This variant has not been reported in the literature in individuals affected with IGLL1-related conditions. ClinVar contains an entry for this variant (Variation ID: 1345788). An algorithm developed to predict the effect of missense changes on protein structure and function outputs the following: PolyPhen-2: "Benign". The serine amino acid residue is found in multiple mammalian species, which suggests that this missense change does not adversely affect protein function. In summary, the available evidence is currently insufficient to determine the role of this variant in disease. Therefore, it has been classified as a Variant of Uncertain Significance.

Ambry Genetics
Classification: Uncertain significance. Last evaluated: 2021-08-09. Review status: criteria provided, single submitter. Criteria: Ambry Variant Classification Scheme 2023. Collection method: clinical testing. Allele origin: germline.

NM_020070.4(IGLL1):c.520G>T (p.Ala174Ser)

Gene: IGLL1 (immunoglobulin lambda like polypeptide 1; minus strand). Cytogenetic location: 22q11.23.
Variant type: single nucleotide variant.
Coding change: c.520G>T on transcript NM_020070.4 (MANE Select); coding-DNA position 520, G replaced by T.
Protein change: p.Ala174Ser; replaces alanine 174 with serine.
Molecular consequence: missense variant. On other transcripts: 3 prime UTR variant (1).
Genome position (GRCh38, 1-based): chr22:23,573,388, C>A on the plus strand (G>T on the coding strand, the complement: IGLL1 is on the minus strand). VCF-style: chr22-23573388-C-A. GRCh37 (hg19) VCF-style: chr22-23915575-C-A.
Other names: c.520G>T (NM_020070.2); c.523G>T, p.Ala175Ser (NM_001369906.1); c.*149G>T (NM_152855.3); short protein forms A175S, A174S.
Identifiers: ClinVar variation 1345788 (VCV001345788.9), dbSNP rs199718215, ClinGen allele CA10143244.